The following is an entry in ClinVar:

NM_181882.3(PRX):c.2301del (p.Leu768fs)

Gene: PRX (periaxin; minus strand). Cytogenetic location: 19q13.2.
Variant type: Deletion.
Coding change: c.2301del on transcript NM_181882.3 (MANE Select); coding-DNA position 2301, one base deleted (T; older notation c.2301delT).
Protein change: p.Leu768fs; shifts the reading frame from leucine 768.
Molecular consequence: frameshift variant. On other transcripts: 3 prime UTR variant (1).
Genome position (GRCh38, 1-based): chr19:40,396,051, A deleted on the plus strand (T on the coding strand, the reverse complement: PRX is on the minus strand). VCF-style (leftmost placement, unchanged base first): chr19-40396050-GA-G. GRCh37 (hg19) VCF-style: chr19-40901957-GA-G.
Other names: c.2586del, p.Leu863fs (NM_001411127.1); c.*2506del (NM_020956.2); short protein forms L768fs, L863fs.
Identifiers: ClinVar variation 2851365 (VCV002851365.3), dbSNP rs2514803711, ClinGen allele CA2739276800.

ClinVar aggregate classification (germline): Pathogenic (1 of 4 stars; one submission).

Conditions:
Charcot-Marie-Tooth disease type 4. Also called: Charcot-Marie-Tooth disease, type IV; Charcot-Marie-Tooth, Type 4. Identifiers: Orphanet 64749, MedGen C4082197, MONDO:0018995.

Submission:

Labcorp Genetics (formerly Invitae), Labcorp
Classification: Pathogenic for Charcot-Marie-Tooth disease type 4. Last evaluated: 2023-04-01. Review status: criteria provided, single submitter. Criteria: Invitae Variant Classification Sherloc (09022015). Collection method: clinical testing. Allele origin: germline.
Comment: This variant is not present in population databases (gnomAD no frequency). For these reasons, this variant has been classified as Pathogenic. This variant disrupts a region of the PRX protein in which other variant(s) (p.Lys930Serfs*28) have been determined to be pathogenic (Invitae). This suggests that this is a clinically significant region of the protein, and that variants that disrupt it are likely to be disease-causing. This variant has not been reported in the literature in individuals affected with PRX-related conditions. This sequence change creates a premature translational stop signal (p.Leu768Phefs*7) in the PRX gene. While this is not anticipated to result in nonsense mediated decay, it is expected to disrupt the last 694 amino acid(s) of the PRX protein.